The following is an entry in ClinVar:

ClinVar aggregate classification (germline): Uncertain significance. Review status: reviewed by expert panel (3 of 4 stars). 5 submissions from 5 submitters: Uncertain significance (1). 4 of the submissions do not count toward it. Last evaluated 2025-09-22.

Conditions:
Juvenile retinoschisis (RS1). Also called: X-linked retinoschisis; X-Linked Juvenile Retinoschisis. Identifiers: Orphanet 792, MedGen C3714753, MONDO:0010725, OMIM 312700.

Submissions (5):

ClinGen X-linked Inherited Retinal Disease Variant Curation Expert Panel, ClinGen
Classification: Uncertain significance for Juvenile retinoschisis. Last evaluated: 2025-09-22. Review status: reviewed by expert panel. Criteria: ClinGen X LinkedIRD ACMG Specifications RS1 V1.0.0. Collection method: curation. Allele origin: germline. Inheritance: X-linked inheritance.
Comment: NM_000330.4(RS1):c.38T>C (p.Leu13Pro) is a missense variant encoding the substitution of leucine with proline at amino acid 13. This variant is absent from hemizygous individuals in gnomAD v4.1.0 (PM2_Supporting). At least one proband harboring this variant exhibits a phenotype including appearance of schisis and reduced visual acuity before age 13 years, which together are specific for X-linked retinoschisis (PMID: 30652005, PP4). This variant has been reported in at least 1 proband meeting the PS4 requirement of a male diagnosed with X-linked retinoschisis, as well as a second apparently unrelated proband previously used for the PP4 code (PMID: 10533068, PMID: 20809529, PS4_Supporting). The computational predictor REVEL gives a score of 0.732, which is within the ClinGen X-linked IRD VCEP range between 0.772 to 0.644 and predicts a damaging effect on RS1 function (PP3). The computational splicing predictor SpliceAI gives a delta score of 0.00 for all predictive splice changes, which is below the ClinGen X-linked IRD VCEP threshold of >0.2 and does not predict that the variant disrupts RS1 splicing. COS-7 cells exogenously expressing the variant exhibit reduced levels of RS1 in the cell lysate relative to the wild-type control and loss of detectable RS1 secretion into the medium (PMID: 20809529, 12746437, PS3_Supporting). In summary, this variant is classified as a variant of uncertain significance for X-linked retinoschisis based on the ClinGen X-linked Inherited Retinal Disease Expert Panel Specifications to the ACMG/AMP Variant Interpretation Guidelines for RS1 Version 1.0.0: PM2_supporting, PS3_supporting, PP4, PS4_supporting, and PP3.

GeneDx
Classification: Likely pathogenic. Last evaluated: 2023-11-02. Review status: criteria provided, single submitter. Criteria: GeneDx Variant Classification Process June 2021. Collection method: clinical testing. Allele origin: germline. Affected: yes. Not counted in ClinVar's aggregate classification.
Comment: Published functional studies demonstrate a damaging effect on expression, consistent with a null allele (PMID: 20809529, 12746437); Not observed at significant frequency in large population cohorts (gnomAD); In silico analysis supports that this missense variant does not alter protein structure/function; This variant is associated with the following publications: (PMID: 12746437, 36402656, 10533068, 20809529, 22183371, 22245536, 30652005)

Labcorp Genetics (formerly Invitae), Labcorp
Classification: Pathogenic. Last evaluated: 2020-10-08. Review status: criteria provided, single submitter. Criteria: Invitae Variant Classification Sherloc (09022015). Collection method: clinical testing. Allele origin: germline. Not counted in ClinVar's aggregate classification.
Comment: For these reasons, this variant has been classified as Pathogenic. Experimental studies have shown that this variant affects RS1 protein function (PMID: 20809529). This variant has been observed in individual(s) with retinoschisis (PMID: 10533068, 30652005, 20809529, Invitae). ClinVar contains an entry for this variant (Variation ID: 9892). This variant is not present in population databases (ExAC no frequency). This sequence change replaces leucine with proline at codon 13 of the RS1 protein (p.Leu13Pro). The leucine residue is highly conserved and there is a moderate physicochemical difference between leucine and proline.

OMIM
Classification: Pathogenic for RETINOSCHISIS 1, X-LINKED, JUVENILE. Last evaluated: 1999-01-01. Review status: no assertion criteria provided. Collection method: literature only. Allele origin: germline. Not counted in ClinVar's aggregate classification.

Retina International
No classification provided. Review status: no classification provided. Collection method: not provided. Allele origin: not provided. Not counted in ClinVar's aggregate classification.

Literature cited by the submitters: PubMed 20809529 (cited by Labcorp Genetics (formerly Invitae), Labcorp); PubMed 10533068 (cited by Labcorp Genetics (formerly Invitae), Labcorp and OMIM); PubMed 30652005 (cited by Labcorp Genetics (formerly Invitae), Labcorp).

NM_000330.4(RS1):c.38T>C (p.Leu13Pro)

Gene: RS1 (retinoschisin 1; minus strand). Cytogenetic location: Xp22.13.
Variant type: single nucleotide variant.
Coding change: c.38T>C on transcript NM_000330.4 (MANE Select); coding-DNA position 38, T replaced by C.
Protein change: p.Leu13Pro; replaces leucine 13 with proline.
Molecular consequence: missense variant.
Genome position (GRCh38, 1-based): chrX:18,672,031, A>G on the plus strand (T>C on the coding strand, the complement: RS1 is on the minus strand). VCF-style: chrX-18672031-A-G. GRCh37 (hg19) VCF-style: chrX-18690151-A-G.
Other names: NM_000330.4(RS1):c.38T>C; short protein forms L13P.
Identifiers: ClinVar variation 9892 (VCV000009892.12), dbSNP rs104894935, ClinGen allele CA226709.